The following is an entry in ClinVar:

ClinVar aggregate classification (germline): Pathogenic (1 of 4 stars; one submission).

Conditions:
Ehlers-Danlos syndrome, classic type, 1 (EDSCL1). Also called: EHLERS-DANLOS SYNDROME, GRAVIS TYPE; EHLERS-DANLOS SYNDROME, SEVERE CLASSIC TYPE; Ehlers-Danlos syndrome, type 1; EDS I; Ehlers-Danlos Syndrome, Classic Type, COL5A1-Related. Identifiers: MedGen C0268335, MONDO:0019567, OMIM 130000.

Submission:

Labcorp Genetics (formerly Invitae), Labcorp
Classification: Pathogenic for Ehlers-Danlos syndrome, classic type, 1. Last evaluated: 2021-11-29. Review status: criteria provided, single submitter. Criteria: Invitae Variant Classification Sherloc (09022015). Collection method: clinical testing. Allele origin: germline.
Comment: For these reasons, this variant has been classified as Pathogenic. This variant has not been reported in the literature in individuals affected with COL5A1-related conditions. This variant is not present in population databases (gnomAD no frequency). This sequence change creates a premature translational stop signal (p.Ser544*) in the COL5A1 gene. It is expected to result in an absent or disrupted protein product. Loss-of-function variants in COL5A1 are known to be pathogenic (PMID: 23587214).

Literature cited by the submitters: PubMed 23587214.

NM_000093.5(COL5A1):c.1628_1630dup (p.Ser544Ter)

Gene: COL5A1 (collagen type V alpha 1 chain; plus strand). Cytogenetic location: 9q34.3.
Variant type: Duplication.
Coding change: c.1628_1630dup on transcript NM_000093.5 (MANE Select); coding-DNA positions 1628 to 1630, 3 bases duplicated (AGT; older notation c.1628_1630dupAGT).
Protein change: p.Ser544Ter; replaces serine 544 with a stop codon.
Molecular consequence: nonsense.
Genome position (GRCh38, 1-based): chr9:134,750,848-134,750,850, AGT duplicated. VCF-style (leftmost placement, unchanged base first): chr9-134750847-G-GAGT. GRCh37 (hg19) VCF-style: chr9-137642693-G-GAGT.
Other names: c.1628_1630dup, p.Ser544Ter (NM_001278074.1); short protein forms S544*.
Identifiers: ClinVar variation 1360046 (VCV001360046.6), dbSNP rs2132683271, ClinGen allele CA2573144113.
Genomic context (GRCh38, chr9:134,750,847, plus strand): 5'-CAGTTCCGGTTTGGAGGTGGCGGCGATGCGGGCTCCAAAGGCCCCATGGTCTCAGCCCAG[G>GAGT]AGTCCCAGGCGCAAGCCATTCTCCAGCAGGCCAGGGTGAGTACTGCTGGGTCCCAAGAGG-3'